The following is an entry in ClinVar:

ClinVar aggregate classification (germline): Uncertain significance (1 of 4 stars; one submission).

Conditions:
CGNL1-related disorder. Also called: CGNL1-related condition.

gnomAD v4.1: 3 of 1,607,538 alleles (0.00019%); highest among the groups gnomAD compares: South Asian, 0.0022%; no homozygotes.

Submission:

PreventionGenetics, part of Exact Sciences
Classification: Uncertain significance for CGNL1-related condition. Last evaluated: 2026-08-31. Review status: criteria provided, single submitter. Criteria: ACMG Guidelines, 2015. Collection method: clinical testing. Allele origin: germline.
Comment: The CGNL1 c.2708C>T variant is predicted to result in the amino acid substitution p.Ala903Val. To our knowledge, this variant has not been reported in the literature. This variant is reported in 0.0069% of alleles in individuals of South Asian descent in gnomAD. At this time, the clinical significance of this variant is uncertain due to the absence of conclusive functional and genetic evidence.

NM_032866.5(CGNL1):c.2708C>T (p.Ala903Val)

Gene: CGNL1 (cingulin like 1; plus strand). Cytogenetic location: 15q21.3.
Variant type: single nucleotide variant.
Coding change: c.2708C>T on transcript NM_032866.5 (MANE Select); coding-DNA position 2708, C replaced by T.
Protein change: p.Ala903Val; replaces alanine 903 with valine.
Molecular consequence: missense variant.
Genome position (GRCh38, 1-based): chr15:57,518,490, C>T. VCF-style: chr15-57518490-C-T. GRCh37 (hg19) VCF-style: chr15-57810688-C-T.
Other names: c.2708C>T, p.Ala903Val (NM_001252335.2); short protein forms A903V.
Identifiers: ClinVar variation 4993095 (VCV004993095.1).